The following is an entry in ClinVar:

ClinVar aggregate classification (germline): Uncertain significance (1 of 4 stars; one submission).

Submission:

GeneDx
Classification: Uncertain significance. Last evaluated: 2022-10-13. Review status: criteria provided, single submitter. Criteria: GeneDx Variant Classification Process June 2021. Collection method: clinical testing. Allele origin: germline. Affected: yes.
Comment: Not observed at significant frequency in large population cohorts (gnomAD); Frameshift variant predicted to result in protein truncation or nonsense mediated decay in a gene or region of a gene for which loss of function is not a well-established mechanism of disease; Has not been previously published as pathogenic or benign to our knowledge

NM_001378964.1(CDON):c.3010_3014del (p.Gly1004fs)

Gene: CDON (cell adhesion associated, oncogene regulated; minus strand). Cytogenetic location: 11q24.2.
Variant type: Deletion.
Coding change: c.3010_3014del on transcript NM_001378964.1 (MANE Select); coding-DNA positions 3010 to 3014, 5 bases deleted (GGATA; older notation c.3010_3014delGGATA).
Protein change: p.Gly1004fs; shifts the reading frame from glycine 1004.
Molecular consequence: frameshift variant.
Genome position (GRCh38, 1-based): chr11:125,981,311-125,981,315, TATCC deleted on the plus strand (GGATA on the coding strand, the reverse complement: CDON is on the minus strand); deleting any 5 consecutive bases within chr11:125,981,311-125,981,316 gives the same sequence; the c. name uses the placement nearest the transcript's 3' end. VCF-style (leftmost placement, unchanged base first): chr11-125981310-ATATCC-A. GRCh37 (hg19) VCF-style: chr11-125851205-ATATCC-A.
Other names: c.3009_3013delAGGAT, p.Gly1004Serfs (NM_001243597.3, NM_016952.4, NM_016952.6); short protein forms G1004fs.
Identifiers: ClinVar variation 2499339 (VCV002499339.1), dbSNP rs2497005801, ClinGen allele CA2580083803.